The following is an entry in ClinVar:

ClinVar aggregate classification (germline): Benign/Likely benign. Review status: criteria provided, multiple submitters, no conflicts (2 of 4 stars). 2 submissions from 2 submitters: Benign (1); Likely benign (1). Last evaluated 2026-01-19.

Conditions:
Epidermolysis bullosa simplex 3, localized or generalized intermediate, with BP230 deficiency (EBS3). Also called: Epidermolysis bullosa simplex due to BP230 deficiency; Epidermolysis bullosa simplex, autosomal recessive 2. Identifiers: Orphanet 412181, MedGen C3809470, MONDO:0014180, OMIM 615425.
Hereditary sensory and autonomic neuropathy type 6. Also called: Neuropathy, hereditary sensory and autonomic, type VI; HSAN VI. Identifiers: Orphanet 314381, MedGen C3539003, MONDO:0013839, OMIM 614653.
DST-related disorder. Also called: DST-related disorders; DST-related condition.

Allele frequency attached by ClinVar (database versions not stated): gnomAD exomes 0.00006 and 0.00017; ExAC 0.00015; 1000 Genomes Project 0.00040; 1000 Genomes Project 30x 0.00047; gnomAD 0.00056; TOPMed 0.00059; ESP Exome Variant Server 0.00065.
gnomAD v4.1: 181 of 1,612,436 alleles (0.011%); highest among the groups gnomAD compares: African/African-American, 0.2%; no homozygotes.

Submissions (2):

Labcorp Genetics (formerly Invitae), Labcorp
Classification: Benign for Epidermolysis bullosa simplex 3, localized or generalized intermediate, with BP230 deficiency; Hereditary sensory and autonomic neuropathy type 6. Last evaluated: 2026-01-19. Review status: criteria provided, single submitter. Criteria: Invitae Variant Classification Sherloc (09022015). Collection method: clinical testing. Allele origin: germline.

PreventionGenetics, part of Exact Sciences
Classification: Likely benign for DST-related condition. Last evaluated: 2025-06-02. Review status: criteria provided, single submitter. Criteria: ACMG Guidelines, 2015. Collection method: clinical testing. Allele origin: germline.
Comment: This variant is classified as likely benign based on ACMG/AMP sequence variant interpretation guidelines (Richards et al. 2015 PMID: 25741868, with internal and published modifications).

NM_001374736.1(DST):c.20097C>T (p.Ala6699=)

Gene: DST (dystonin; minus strand). Cytogenetic location: 6p12.1.
Variant type: single nucleotide variant.
Coding change: c.20097C>T on transcript NM_001374736.1 (MANE Select); coding-DNA position 20097, C replaced by T.
Protein change: p.Ala6699=; no amino-acid change (alanine 6699 retained).
Molecular consequence: synonymous variant.
Genome position (GRCh38, 1-based): chr6:56,497,505, G>A on the plus strand (C>T on the coding strand, the complement: DST is on the minus strand). VCF-style: chr6-56497505-G-A. GRCh37 (hg19) VCF-style: chr6-56362303-G-A.
Other names: c.13740C>T (NM_001144769.2); c.13740C>T, p.Ala4580= (NM_001144769.5); c.13326C>T, p.Ala4442= (NM_001144770.2); c.20097C>T, p.Ala6699= (NM_001374722.1); c.19137C>T, p.Ala6379= (NM_001374729.1); c.12879C>T, p.Ala4293= (NM_001374730.1); c.20124C>T, p.Ala6708= (NM_001374734.1); c.13206C>T, p.Ala4402= (NM_001386100.1, NM_183380.4); and 1 more.
Identifiers: ClinVar variation 1167643 (VCV001167643.10), dbSNP rs188197970, ClinGen allele CA3866834.
Genomic context (GRCh38, chr6:56,497,505, plus strand): 5'-ATGACGCTCCGTGTCAGTCAGCCACTGCTGCAAATCCTCAATTTCGCCATGGAACCCTTT[G>A]GCCTGAAGTAATAGGCAGTTTTAAGTTGGGGCCATAAACACTGTCAGTTTCAAGCAGGAA-3'
Protein context (NP_001361665.1, residues 6689-6709): KQQLDGALRQ[Ala6699=]KGFHGEIEDL